The following is an entry in ClinVar:

ClinVar aggregate classification (germline): Pathogenic/Likely pathogenic. Review status: criteria provided, multiple submitters, no conflicts (2 of 4 stars). 2 submissions from 2 submitters: Pathogenic (1); Likely pathogenic (1). Last evaluated 2024-01-27.

Conditions:
Meckel-Gruber syndrome. Also called: DYSENCEPHALIA SPLANCHNOCYSTICA; GRUBER SYNDROME; Dysencephalia splachnocystica. Identifiers: Orphanet 564, MedGen C0265215, MONDO:0018921.
Joubert syndrome. Also called: CEREBELLOPARENCHYMAL DISORDER IV; JOUBERT-BOLTSHAUSER SYNDROME; Familial aplasia of the vermis. Identifiers: Orphanet 475, MedGen C5979921, MONDO:0018772.
Bardet-Biedl syndrome 13 (BBS13). Identifiers: Orphanet 110, MedGen C2673873, MONDO:0014441, OMIM 615990.

Allele frequency attached by ClinVar (database versions not stated): gnomAD exomes below 0.00001; gnomAD 0.00001; TOPMed 0.00001.
gnomAD v4.1: 2 of 1,606,548 alleles (0.00012%); highest among the groups gnomAD compares: Non-Finnish European, 0.00017%; no homozygotes.

Submissions (2):

Baylor Genetics
Classification: Likely pathogenic for Bardet-Biedl syndrome 13. Last evaluated: 2024-01-27. Review status: criteria provided, single submitter. Criteria: ACMG Guidelines, 2015. Collection method: clinical testing. Allele origin: unknown.

Labcorp Genetics (formerly Invitae), Labcorp
Classification: Pathogenic for Joubert syndrome; Meckel-Gruber syndrome. Last evaluated: 2019-01-01. Review status: criteria provided, single submitter. Criteria: Invitae Variant Classification Sherloc (09022015). Collection method: clinical testing. Allele origin: germline.
Comment: This sequence change creates a premature translational stop signal (p.Ser153*) in the MKS1 gene. It is expected to result in an absent or disrupted protein product. This variant is not present in population databases (ExAC no frequency). For these reasons, this variant has been classified as Pathogenic. Loss-of-function variants in MKS1 are known to be pathogenic (PMID: 17397051). This variant has not been reported in the literature in individuals with MKS1-related conditions.

Literature cited by the submitters: PubMed 17397051 (cited by Labcorp Genetics (formerly Invitae), Labcorp).

NM_017777.4(MKS1):c.458C>A (p.Ser153Ter)

Gene: MKS1 (MKS transition zone complex subunit 1; minus strand). Cytogenetic location: 17q22.
Variant type: single nucleotide variant.
Coding change: c.458C>A on transcript NM_017777.4 (MANE Select); coding-DNA position 458, C replaced by A.
Protein change: p.Ser153Ter; replaces serine 153 with a stop codon.
Molecular consequence: nonsense. On other transcripts: intron variant (1).
Genome position (GRCh38, 1-based): chr17:58,214,798, G>T on the plus strand (C>A on the coding strand, the complement: MKS1 is on the minus strand). VCF-style: chr17-58214798-G-T. GRCh37 (hg19) VCF-style: chr17-56292159-G-T.
Other names: c.458C>A, p.Ser153Ter (NM_001321269.2, NM_001330397.2); c.-94-411C>A (NM_001321268.2); short protein forms S153*.
Identifiers: ClinVar variation 838736 (VCV000838736.10), dbSNP rs903778224, ClinGen allele CA292013921.